The following is an entry in ClinVar:

ClinVar aggregate classification (germline): Pathogenic (1 of 4 stars; one submission).

Submission:

Labcorp Genetics (formerly Invitae), Labcorp
Classification: Pathogenic. Last evaluated: 2025-04-07. Review status: criteria provided, single submitter. Criteria: Invitae Variant Classification Sherloc (09022015). Collection method: clinical testing. Allele origin: germline.
Comment: This sequence change replaces phenylalanine, which is neutral and non-polar, with serine, which is neutral and polar, at codon 586 of the PHEX protein (p.Phe586Ser). This variant is not present in population databases (gnomAD no frequency). This missense change has been observed in individual(s) with hypophosphatemic rickets (PMID: 18625346; internal data). ClinVar contains an entry for this variant (Variation ID: 967268). Invitae Evidence Modeling of protein sequence and biophysical properties (such as structural, functional, and spatial information, amino acid conservation, physicochemical variation, residue mobility, and thermodynamic stability) indicates that this missense variant is expected to disrupt PHEX protein function with a positive predictive value of 95%. For these reasons, this variant has been classified as Pathogenic.

Literature cited by the submitters: PubMed 18625346.

NM_000444.6(PHEX):c.1757T>C (p.Phe586Ser)

Genes: PHEX (phosphate regulating endopeptidase X-linked; plus strand), PTCHD1-AS (PTCHD1 and PHEX antisense RNA; minus strand). Cytogenetic location: Xp22.11.
Variant type: single nucleotide variant.
Coding change: c.1757T>C on transcript NM_000444.6 (MANE Select); coding-DNA position 1757, T replaced by C.
Protein change: p.Phe586Ser; replaces phenylalanine 586 with serine.
Molecular consequence: missense variant.
Genome position (GRCh38, 1-based): chrX:22,219,092, T>C. VCF-style: chrX-22219092-T-C. GRCh37 (hg19) VCF-style: chrX-22237209-T-C.
Other names: c.1757T>C, p.Phe586Ser (NM_001282754.2); short protein forms F586S.
Identifiers: ClinVar variation 967268 (VCV000967268.9), dbSNP rs1935184925, ClinGen allele CA412575830.